The following is an entry in ClinVar:

ClinVar aggregate classification (germline): Pathogenic/Likely pathogenic. Review status: criteria provided, multiple submitters, no conflicts (2 of 4 stars). 2 submissions from 2 submitters: Pathogenic (1); Likely pathogenic (1). Last evaluated 2025-02-27.

Conditions:
Wolman disease (WOLD). Also called: Acid cholesteryl ester hydrolase deficiency, Wolman type; Acid lipase disease; Wolman disease, CESD; Infantile-Onset LAL-D (Wolman Disease); Wolman disease with hypolipoproteinemia and acanthocytosis; LYSOSOMAL ACID LIPASE DEFICIENCY, ACUTE INFANTILE. Identifiers: Orphanet 75233, MedGen C0043208, MONDO:0019148, OMIM 620151.
Lysosomal acid lipase deficiency. Also called: Acid cholesteryl ester hydrolase deficiency, type 2. Identifiers: Orphanet 275761, MedGen C5574740, MONDO:0800449, MONDO:0010204.

Submissions (2):

Labcorp Genetics (formerly Invitae), Labcorp
Classification: Pathogenic for Wolman disease. Last evaluated: 2025-02-27. Review status: criteria provided, single submitter. Criteria: Invitae Variant Classification Sherloc (09022015). Collection method: clinical testing. Allele origin: germline.
Comment: This sequence change replaces asparagine, which is neutral and polar, with lysine, which is basic and polar, at codon 98 of the LIPA protein (p.Asn98Lys). This variant is not present in population databases (gnomAD no frequency). A different variant (c.294C>G) giving rise to the same protein effect has been determined to be pathogenic (PMID: 25624737, 29196158, 31131398). This suggests that this variant is also likely to be causative of disease. Invitae Evidence Modeling of protein sequence and biophysical properties (such as structural, functional, and spatial information, amino acid conservation, physicochemical variation, residue mobility, and thermodynamic stability) indicates that this missense variant is expected to disrupt LIPA protein function with a positive predictive value of 95%. For these reasons, this variant has been classified as Pathogenic.

Natera, Inc.
Classification: Likely pathogenic for Lysosomal acid lipase deficiency. Last evaluated: 2024-08-06. Review status: criteria provided, single submitter. Criteria: Natera Variant Classification Schema (03/2026). Collection method: clinical testing. Allele origin: germline.
Comment: The c.294C>A variant in LIPA is a missense variant predicted to cause substitution of asparagine to lysine at amino acid 98. This variant is rare in the general population with a frequency below the threshold expected for the associated phenotype(s). Another variant at this same site results in an alteration predicted to cause a similar molecular effect has been observed in individual(s) with the associated phenotype. Computational prediction algorithms indicate this variant is likely to affect gene or protein function. Given the available evidence, this variant is classified as Likely Pathogenic.

Literature cited by the submitters: PubMed 25624737 (cited by Labcorp Genetics (formerly Invitae), Labcorp); PubMed 29196158 (cited by Labcorp Genetics (formerly Invitae), Labcorp); PubMed 31131398 (cited by Labcorp Genetics (formerly Invitae), Labcorp).

NM_000235.4(LIPA):c.294C>A (p.Asn98Lys)

Gene: LIPA (lipase A, lysosomal acid type; minus strand). Cytogenetic location: 10q23.31.
Variant type: single nucleotide variant.
Coding change: c.294C>A on transcript NM_000235.4 (MANE Select); coding-DNA position 294, C replaced by A.
Protein change: p.Asn98Lys; replaces asparagine 98 with lysine.
Molecular consequence: missense variant. On other transcripts: 5 prime UTR variant (1).
Genome position (GRCh38, 1-based): chr10:89,228,334, G>T on the plus strand (C>A on the coding strand, the complement: LIPA is on the minus strand). VCF-style: chr10-89228334-G-T. GRCh37 (hg19) VCF-style: chr10-90988091-G-T.
Other names: c.294C>A, p.Asn98Lys (NM_001127605.3, NM_001440818.1, NM_001440819.1 and 17 more transcripts); c.-55C>A (NM_001288979.2); c.426C>A, p.Asn142Lys (NM_001440836.1); c.309C>A, p.Asn103Lys (NM_001440838.1); c.126C>A, p.Asn42Lys (NM_001440839.1); c.294C>A (NM_000235.3); short protein forms N98K, N142K, N42K, N103K.
Identifiers: ClinVar variation 4691978 (VCV004691978.2).